The following is an entry in ClinVar:

ClinVar aggregate classification (germline): Conflicting classifications of pathogenicity. Review status: criteria provided, conflicting classifications (1 of 4 stars). 2 submissions from 2 submitters: Uncertain significance (1); Likely benign (1). Last evaluated 2025-08-01.

Conditions:
Inborn genetic diseases. Identifiers: MedGen C0950123, MeSH D030342.

Allele frequency attached by ClinVar (database versions not stated): gnomAD 0.00001; gnomAD exomes 0.00001; TOPMed 0.00001.
gnomAD v4.1: 21 of 1,613,718 alleles (0.0013%); highest among the groups gnomAD compares: Non-Finnish European, 0.0017%; no homozygotes.

Submissions (2):

CeGaT Center for Human Genetics Tuebingen
Classification: Likely benign. Last evaluated: 2025-08-01. Review status: criteria provided, single submitter. Criteria: CeGaT Center For Human Genetics Tuebingen Variant Classification Criteria Version 2. Collection method: clinical testing. Allele origin: germline. Affected: yes. Observed: 1 variant allele.
Comment: BPTF: BP4

Ambry Genetics
Classification: Uncertain significance for Inborn genetic diseases. Last evaluated: 2023-02-22. Review status: criteria provided, single submitter. Criteria: Ambry Variant Classification Scheme 2023. Collection method: clinical testing. Allele origin: germline.

NM_182641.4(BPTF):c.4582G>C (p.Val1528Leu)

Gene: BPTF (bromodomain PHD finger transcription factor; plus strand). Cytogenetic location: 17q24.2.
Variant type: single nucleotide variant.
Coding change: c.4582G>C on transcript NM_182641.4 (MANE Select); coding-DNA position 4582, G replaced by C.
Protein change: p.Val1528Leu; replaces valine 1528 with leucine.
Molecular consequence: missense variant.
Genome position (GRCh38, 1-based): chr17:67,912,466, G>C. VCF-style: chr17-67912466-G-C. GRCh37 (hg19) VCF-style: chr17-65908582-G-C.
Other names: c.4960G>C, p.Val1654Leu (NM_004459.7); short protein forms V1528L, V1654L.
Identifiers: ClinVar variation 2467674 (VCV002467674.10), dbSNP rs972750366, ClinGen allele CA293264085.